The following is an entry in ClinVar:

NM_001386298.1(CIC):c.632G>A (p.Arg211His)

Gene: CIC (capicua transcriptional repressor; plus strand). Cytogenetic location: 19q13.2.
Variant type: single nucleotide variant.
Coding change: c.632G>A on transcript NM_001386298.1 (MANE Select); coding-DNA position 632, G replaced by A.
Protein change: p.Arg211His; replaces arginine 211 with histidine.
Molecular consequence: missense variant.
Genome position (GRCh38, 1-based): chr19:42,272,415, G>A. VCF-style: chr19-42272415-G-A. GRCh37 (hg19) VCF-style: chr19-42776567-G-A.
Other names: c.632G>A, p.Arg211His (NM_001304815.2, NM_001379480.1, NM_001379482.1 and 1 more transcripts); short protein forms R211H.
Identifiers: ClinVar variation 3024217 (VCV003024217.2), dbSNP rs2513595825, ClinGen allele CA406082712.

ClinVar aggregate classification (germline): Uncertain significance. Review status: criteria provided, multiple submitters, no conflicts (2 of 4 stars). 2 submissions from 2 submitters: Uncertain significance (2). Last evaluated 2025-12-11.

Conditions:
Intellectual developmental disorder, autosomal dominant 45. Also called: MENTAL RETARDATION, AUTOSOMAL DOMINANT 45; Intellectual disability, autosomal dominant 45. Identifiers: MedGen C4539848, MONDO:0030910, OMIM 617600.
CIC-related disorder. Also called: CIC-related condition.

Allele frequency attached by ClinVar (database versions not stated): gnomAD exomes 0.00001.

Submissions (2):

PreventionGenetics, part of Exact Sciences
Classification: Uncertain significance for CIC-related condition. Last evaluated: 2025-12-11. Review status: criteria provided, single submitter. Criteria: ACMG Guidelines, 2015. Collection method: clinical testing. Allele origin: germline.
Comment: The CIC c.632G>A variant is predicted to result in the amino acid substitution p.Arg211His. To our knowledge, this variant has not been reported in the literature or in a large population database (gnomAD), indicating this variant is rare. At this time, the clinical significance of this variant is uncertain due to the absence of conclusive functional and genetic evidence.

Molecular Genetics Lab, CHRU Brest
Classification: Uncertain significance for Intellectual developmental disorder, autosomal dominant 45. Review status: criteria provided, single submitter. Criteria: ACMG Guidelines, 2015. Collection method: clinical testing. Allele origin: unknown. Affected: yes.